The following is an entry in ClinVar:

ClinVar aggregate classification (germline): Uncertain significance (1 of 4 stars; one submission).

Conditions:
Spermatogenic failure 18. Identifiers: MedGen C4539783, MONDO:0054615, OMIM 617576.
Ciliary dyskinesia, primary, 37 (CILD37). Also called: CILIARY DYSKINESIA, PRIMARY, 37, WITH OR WITHOUT SITUS INVERSUS. Identifiers: MedGen C4539798, MONDO:0033204, OMIM 617577.

Allele frequency attached by ClinVar (database versions not stated): gnomAD exomes below 0.00001.
gnomAD v4.1: 1 of 1,576,910 alleles (0.000063%); highest among the groups gnomAD compares: Non-Finnish European, 0.000086%; no homozygotes.

Submission:

Labcorp Genetics (formerly Invitae), Labcorp
Classification: Uncertain significance for Ciliary dyskinesia, primary, 37; Spermatogenic failure 18. Last evaluated: 2024-02-24. Review status: criteria provided, single submitter. Criteria: Invitae Variant Classification Sherloc (09022015). Collection method: clinical testing. Allele origin: germline.
Comment: This sequence change replaces proline, which is neutral and non-polar, with arginine, which is basic and polar, at codon 1326 of the DNAH1 protein (p.Pro1326Arg). This variant is present in population databases (no rsID available, gnomAD 0.001%). This variant has not been reported in the literature in individuals affected with DNAH1-related conditions. ClinVar contains an entry for this variant (Variation ID: 1991266). Advanced modeling of protein sequence and biophysical properties (such as structural, functional, and spatial information, amino acid conservation, physicochemical variation, residue mobility, and thermodynamic stability) performed at Invitae indicates that this missense variant is expected to disrupt DNAH1 protein function with a positive predictive value of 80%. In summary, the available evidence is currently insufficient to determine the role of this variant in disease. Therefore, it has been classified as a Variant of Uncertain Significance.

NM_015512.5(DNAH1):c.3977C>G (p.Pro1326Arg)

Gene: DNAH1 (dynein axonemal heavy chain 1; plus strand). Cytogenetic location: 3p21.1.
Variant type: single nucleotide variant.
Coding change: c.3977C>G on transcript NM_015512.5 (MANE Select); coding-DNA position 3977, C replaced by G.
Protein change: p.Pro1326Arg; replaces proline 1326 with arginine.
Molecular consequence: missense variant.
Genome position (GRCh38, 1-based): chr3:52,357,732, C>G. VCF-style: chr3-52357732-C-G. GRCh37 (hg19) VCF-style: chr3-52391748-C-G.
Other names: short protein forms P1326R.
Identifiers: ClinVar variation 1991266 (VCV001991266.4), dbSNP rs1308398650, ClinGen allele CA353123179.